The following is an entry in ClinVar:

NM_002354.3(EPCAM):c.545C>T (p.Thr182Met)

Gene: EPCAM (epithelial cell adhesion molecule; plus strand). Cytogenetic location: 2p21.
Variant type: single nucleotide variant.
Coding change: c.545C>T on transcript NM_002354.3 (MANE Select); coding-DNA position 545, C replaced by T.
Protein change: p.Thr182Met; replaces threonine 182 with methionine.
Molecular consequence: missense variant.
Genome position (GRCh38, 1-based): chr2:47,377,067, C>T. VCF-style: chr2-47377067-C-T. GRCh37 (hg19) VCF-style: chr2-47604206-C-T.
Other names: short protein forms T182M.
Identifiers: ClinVar variation 1747656 (VCV001747656.2), dbSNP rs1244875384, ClinGen allele CA346724053.
Genomic context (GRCh38, chr2:47,377,067, plus strand): 5'-TTTACAGTGCACTTCAGAAGGAGATCACAACGCGTTATCAACTGGATCCAAAATTTATCA[C>T]GAGTATTTTGGTATGATTTTTTAATAAGTGAGCTTTAGCAGACAGTTGGTGAGACAGTAT-3'
Protein context (NP_002345.2, residues 172-192): TRYQLDPKFI[Thr182Met]SILYENNVIT

ClinVar aggregate classification (germline): Uncertain significance (1 of 4 stars; one submission).

Conditions:
Hereditary cancer-predisposing syndrome. Also called: Hereditary Cancer Syndrome; Neoplastic Syndromes, Hereditary; Tumor predisposition; Hereditary neoplastic syndrome. Identifiers: Orphanet 140162, MedGen C0027672, MeSH D009386, MONDO:0015356.

Allele frequency attached by ClinVar (database versions not stated): gnomAD 0.00001.
gnomAD v4.1: 7 of 1,601,696 alleles (0.00044%); highest among the groups gnomAD compares: Admixed American, 0.0017%; no homozygotes.

Submission:

Ambry Genetics
Classification: Uncertain significance for Hereditary cancer-predisposing syndrome. Last evaluated: 2022-05-29. Review status: criteria provided, single submitter. Criteria: Ambry Variant Classification Scheme 2023. Collection method: clinical testing. Allele origin: germline.
Comment: The p.T182M variant (also known as c.545C>T), located in coding exon 5 of the EPCAM gene, results from a C to T substitution at nucleotide position 545. The threonine at codon 182 is replaced by methionine, an amino acid with similar properties. This amino acid position is conserved. In addition, this alteration is predicted to be tolerated by in silico analysis. Since supporting evidence is limited at this time, the clinical significance of this alteration remains unclear.